The following is an entry in ClinVar:

NM_003640.5(ELP1):c.307G>T (p.Glu103Ter)

Gene: ELP1 (elongator acetyltransferase complex subunit 1; minus strand). Cytogenetic location: 9q31.3.
Variant type: single nucleotide variant.
Coding change: c.307G>T on transcript NM_003640.5 (MANE Select); coding-DNA position 307, G replaced by T.
Protein change: p.Glu103Ter; replaces glutamic acid 103 with a stop codon.
Molecular consequence: nonsense. On other transcripts: 5 prime UTR variant (2).
Genome position (GRCh38, 1-based): chr9:108,927,450, C>A on the plus strand (G>T on the coding strand, the complement: ELP1 is on the minus strand). VCF-style: chr9-108927450-C-A. GRCh37 (hg19) VCF-style: chr9-111689730-C-A.
Other names: c.-36G>T (NM_001318360.2); c.-553G>T (NM_001330749.2); c.307G>T (NM_003640.4); short protein forms E103*.
Identifiers: ClinVar variation 1074533 (VCV001074533.10), dbSNP rs2132045613, ClinGen allele CA374392194.

ClinVar aggregate classification (germline): Pathogenic/Likely pathogenic. Review status: criteria provided, multiple submitters, no conflicts (2 of 4 stars). 4 submissions from 4 submitters: Pathogenic (1); Likely pathogenic (3). Last evaluated 2025-08-19.

Conditions:
Familial dysautonomia. Also called: FD; HSAN III. Identifiers: Orphanet 1764, MedGen C0013364, MONDO:0009131, OMIM 223900. Disease mechanism: loss of function.
Medulloblastoma (MDB). Also called: MEDULLOBLASTOMA PREDISPOSITION SYNDROME; Medulloblastoma, somatic. Identifiers: Orphanet 616, MedGen C0025149, MeSH D008527, MONDO:0007959, OMIM 155255, HP:0002885.

gnomAD v4.1: 2 of 1,612,758 alleles (0.00012%); highest among the groups gnomAD compares: Non-Finnish European, 0.00017%; no homozygotes.

Submissions (4):

Zero Childhood Cancer Program, Children's Cancer Institute
Classification: Likely pathogenic for Medulloblastoma. Last evaluated: 2025-08-19. Review status: criteria provided, single submitter. Criteria: ACMG Guidelines, 2015. Collection method: research. Allele origin: germline. Inheritance: Autosomal dominant inheritance. Affected: no.
Comment: The c.307G>T (p.Glu103Ter) variant in ELP1 is a nonsense variant in exon 4 of 37 predicted to cause a premature stop codon leading to nonsense mediated decay in a gene in which loss-of-function is an established disease mechanism (PVS1; PMID: 18303054, 32296180). This variant is rare in gnomAD v4 (frequency = 0.00000137) (PM2). There is a ClinVar entry for this variant (Variation ID: 1074533, 2 star review status) with one submitter classifying the variant as likely pathogenic and one submitter classifying the variant as pathogenic. For these reasons, this variant has been classified as likely pathogenic.

Fulgent Genetics
Classification: Likely pathogenic for Medulloblastoma; Familial dysautonomia. Last evaluated: 2024-05-09. Review status: criteria provided, single submitter. Criteria: ACMG Guidelines, 2015. Collection method: clinical testing. Allele origin: germline.

Natera, Inc.
Classification: Likely pathogenic for Familial dysautonomia. Last evaluated: 2024-04-23. Review status: criteria provided, single submitter. Criteria: Natera Variant Classification Schema (03/2026). Collection method: clinical testing. Allele origin: germline.
Comment: The c.307G>T variant in ELP1 is a nonsense variant predicted to introduce a stop codon at amino acid 103. This variant is expected to result in nonsense mediated decay, truncation, or a dysfunctional protein product. This variant is rare in the general population with a frequency below the threshold expected for the associated phenotype(s). Given the available evidence, this variant is classified as Likely Pathogenic.

Labcorp Genetics (formerly Invitae), Labcorp
Classification: Pathogenic. Last evaluated: 2020-04-22. Review status: criteria provided, single submitter. Criteria: Invitae Variant Classification Sherloc (09022015). Collection method: clinical testing. Allele origin: germline.
Comment: For these reasons, this variant has been classified as Pathogenic. Loss-of-function variants in ELP1 are known to be pathogenic (PMID: 18303054, 24173031). This variant has not been reported in the literature in individuals with ELP1-related conditions. This variant is not present in population databases (ExAC no frequency). This sequence change creates a premature translational stop signal (p.Glu103*) in the ELP1 gene. It is expected to result in an absent or disrupted protein product.

Literature cited by the submitters: PubMed 18303054 (cited by Labcorp Genetics (formerly Invitae), Labcorp); PubMed 24173031 (cited by Labcorp Genetics (formerly Invitae), Labcorp).